The following is an entry in ClinVar:

ClinVar aggregate classification (germline): Uncertain significance (1 of 4 stars; one submission).

Conditions:
Hereditary cancer-predisposing syndrome. Also called: Neoplastic Syndromes, Hereditary; Hereditary Cancer Syndrome; Hereditary neoplastic syndrome; Tumor predisposition. Identifiers: Orphanet 140162, MedGen C0027672, MeSH D009386, MONDO:0015356.

Submission:

Ambry Genetics
Classification: Uncertain significance for Hereditary cancer-predisposing syndrome. Last evaluated: 2023-06-01. Review status: criteria provided, single submitter. Criteria: Ambry Variant Classification Scheme 2023. Collection method: clinical testing. Allele origin: germline.
Comment: The p.Q87R variant (also known as c.260A>G), located in coding exon 4 of the POT1 gene, results from an A to G substitution at nucleotide position 260. The glutamine at codon 87 is replaced by arginine, an amino acid with highly similar properties. This amino acid position is conserved. In addition, this alteration is predicted to be tolerated by in silico analysis. Since supporting evidence is limited at this time, the clinical significance of this alteration remains unclear.

NM_015450.3(POT1):c.260A>G (p.Gln87Arg)

Gene: POT1 (protection of telomeres 1; minus strand). Cytogenetic location: 7q31.33.
Variant type: single nucleotide variant.
Coding change: c.260A>G on transcript NM_015450.3 (MANE Select); coding-DNA position 260, A replaced by G.
Protein change: p.Gln87Arg; replaces glutamine 87 with arginine.
Molecular consequence: missense variant. On other transcripts: 5 prime UTR variant (1), non-coding transcript variant (3).
Genome position (GRCh38, 1-based): chr7:124,863,636, T>C on the plus strand (A>G on the coding strand, the complement: POT1 is on the minus strand). VCF-style: chr7-124863636-T-C. GRCh37 (hg19) VCF-style: chr7-124503690-T-C.
Other names: c.-134A>G (NM_001042594.2); short protein forms Q87R.
Identifiers: ClinVar variation 2565264 (VCV002565264.2), dbSNP rs772165132, ClinGen allele CA369060616.